The following is an entry in ClinVar:

NM_019109.5(ALG1):c.390+3G>T

Gene: ALG1 (ALG1 chitobiosyldiphosphodolichol beta-mannosyltransferase; plus strand). Cytogenetic location: 16p13.3.
Variant type: single nucleotide variant.
Coding change: c.390+3G>T on transcript NM_019109.5 (MANE Select); 3 bases into the intron after coding-DNA position 390, G replaced by T.
Molecular consequence: intron variant.
Genome position (GRCh38, 1-based): chr16:5,073,259, G>T. VCF-style: chr16-5073259-G-T. GRCh37 (hg19) VCF-style: chr16-5123260-G-T.
Other names: c.57+3G>T (NM_001330504.2).
Identifiers: ClinVar variation 2092984 (VCV002092984.4), dbSNP rs370476879, ClinGen allele CA2580091285.

ClinVar aggregate classification (germline): Uncertain significance (1 of 4 stars; one submission).

Conditions:
ALG1-congenital disorder of glycosylation. Also called: CONGENITAL DISORDER OF GLYCOSYLATION, TYPE Ik; ALG1-CDG; CDG Ik. Identifiers: Orphanet 79327, MedGen C2931005, MONDO:0012052, OMIM 608540.

Submission:

Labcorp Genetics (formerly Invitae), Labcorp
Classification: Uncertain significance for ALG1-congenital disorder of glycosylation. Last evaluated: 2025-05-12. Review status: criteria provided, single submitter. Criteria: Invitae Variant Classification Sherloc (09022015). Collection method: clinical testing. Allele origin: germline.
Comment: This sequence change falls in intron 3 of the ALG1 gene. It does not directly change the encoded amino acid sequence of the ALG1 protein. It affects a nucleotide within the consensus splice site. This variant is not present in population databases (gnomAD no frequency). This variant has not been reported in the literature in individuals affected with ALG1-related conditions. ClinVar contains an entry for this variant (Variation ID: 2092984). Variants that disrupt the consensus splice site are a relatively common cause of aberrant splicing (PMID: 17576681, 9536098). Algorithms developed to predict the effect of sequence changes on RNA splicing suggest that this variant is not likely to affect RNA splicing. In summary, the available evidence is currently insufficient to determine the role of this variant in disease. Therefore, it has been classified as a Variant of Uncertain Significance.

Literature cited by the submitters: PubMed 17576681; PubMed 9536098.